The following is an entry in ClinVar:

NM_006393.3(NEBL):c.805T>A (p.Tyr269Asn)

Gene: NEBL (nebulette; minus strand). Cytogenetic location: 10p12.31.
Variant type: single nucleotide variant.
Coding change: c.805T>A on transcript NM_006393.3 (MANE Select); coding-DNA position 805, T replaced by A.
Protein change: p.Tyr269Asn; replaces tyrosine 269 with asparagine.
Molecular consequence: missense variant. On other transcripts: intron variant (9).
Genome position (GRCh38, 1-based): chr10:20,858,338, A>T on the plus strand (T>A on the coding strand, the complement: NEBL is on the minus strand). VCF-style: chr10-20858338-A-T. GRCh37 (hg19) VCF-style: chr10-21147267-A-T.
Other names: c.358-45398T>A (NM_001173484.2, NM_001377322.1, NM_213569.2); c.301-45398T>A (NM_001377324.1); c.292-45398T>A (NM_001377325.1); c.310-45398T>A (NM_001377323.1); c.250-45398T>A (NM_001377326.1, NM_001377327.1, NM_001377328.1); short protein forms Y269N.
Identifiers: ClinVar variation 3704569 (VCV003704569.2).

ClinVar aggregate classification (germline): Uncertain significance (1 of 4 stars; one submission).

Conditions:
Primary dilated cardiomyopathy (DCM). Also called: Dilated Cardiomyopathy. Identifiers: Orphanet 217604, MedGen C0007193, MeSH D002311, MONDO:0005021, HP:0001644. Inheritance: Various modes of inheritance.

Submission:

Labcorp Genetics (formerly Invitae), Labcorp
Classification: Uncertain significance for Primary dilated cardiomyopathy. Last evaluated: 2024-09-23. Review status: criteria provided, single submitter. Criteria: Invitae Variant Classification Sherloc (09022015). Collection method: clinical testing. Allele origin: germline.
Comment: This sequence change replaces tyrosine, which is neutral and polar, with asparagine, which is neutral and polar, at codon 269 of the NEBL protein (p.Tyr269Asn). This variant is not present in population databases (gnomAD no frequency). This variant has not been reported in the literature in individuals affected with NEBL-related conditions. An algorithm developed to predict the effect of missense changes on protein structure and function (PolyPhen-2) suggests that this variant is likely to be disruptive. In summary, the available evidence is currently insufficient to determine the role of this variant in disease. Therefore, it has been classified as a Variant of Uncertain Significance.